The following is an entry in ClinVar:

NM_000091.5(COL4A3):c.4546C>T (p.Arg1516Ter)

Genes: MFF-DT (MFF divergent transcript; minus strand), COL4A3 (collagen type IV alpha 3 chain; plus strand). Cytogenetic location: 2q36.3.
Variant type: single nucleotide variant.
Coding change: c.4546C>T on transcript NM_000091.5 (MANE Select); coding-DNA position 4546, C replaced by T.
Protein change: p.Arg1516Ter; replaces arginine 1516 with a stop codon.
Molecular consequence: nonsense.
Genome position (GRCh38, 1-based): chr2:227,308,982, C>T. VCF-style: chr2-227308982-C-T. GRCh37 (hg19) VCF-style: chr2-228173698-C-T.
Other names: short protein forms R1516*.
Identifiers: ClinVar variation 552261 (VCV000552261.18), dbSNP rs759873621, ClinGen allele CA66621122.
Genomic context (GRCh38, chr2:227,308,982, plus strand): 5'-CGATTTACCACAATGCCATTCTTATTCTGCAATGTCAATGATGTATGTAATTTTGCATCT[C>T]GAAATGATTATTCATACTGGCTGTCAACACCAGCTCTGATGCCAATGAACATGGCTCCCA-3'

ClinVar aggregate classification (germline): Pathogenic. Review status: criteria provided, multiple submitters, no conflicts (2 of 4 stars). 5 submissions from 5 submitters: Pathogenic (3). 2 of the submissions do not count toward it. Last evaluated 2024-08-02.

Conditions:
Alport syndrome. Also called: Hemorrhagic familial nephritis; Hemorrhagic hereditary nephritis; Congenital hereditary hematuria. Identifiers: Orphanet 63, MedGen C1567741, MONDO:0018965.
Autosomal dominant Alport syndrome (ATS3A). Also called: Alport syndrome dominant type; Renal failure and sensorineural hearing loss; ALPORT SYNDROME 3A, AUTOSOMAL DOMINANT. Identifiers: Orphanet 63, Orphanet 88918, MedGen C5882663, MONDO:0007086, OMIM 104200.
Hematuria, benign familial, 2 (BFH2). Identifiers: MedGen C5830421, MONDO:0958186, OMIM 620320.
Alport syndrome 3b, autosomal recessive. Identifiers: MedGen C5882699, MONDO:0957811, OMIM 620536.
Autosomal recessive Alport syndrome (ATS2). Also called: COL4A4 Alport Syndrome and Thin Basement Membrane Nephropathy; COL4A3-Related Nephropathy; ALPORT SYNDROME 2, AUTOSOMAL RECESSIVE; Alport syndrome type 2. Identifiers: Orphanet 63, Orphanet 88919, MedGen C4746745, MONDO:0008762, OMIM 203780.

Allele frequency attached by ClinVar (database versions not stated): gnomAD exomes below 0.00001 and 0.00001.
gnomAD v4.1: 19 of 1,614,158 alleles (0.0012%); highest among the groups gnomAD compares: South Asian, 0.0022%; no homozygotes.

Submissions (5):

Labcorp Genetics (formerly Invitae), Labcorp
Classification: Pathogenic. Last evaluated: 2024-08-02. Review status: criteria provided, single submitter. Criteria: Invitae Variant Classification Sherloc (09022015). Collection method: clinical testing. Allele origin: germline.
Comment: This sequence change creates a premature translational stop signal (p.Arg1516*) in the COL4A3 gene. It is expected to result in an absent or disrupted protein product. Loss-of-function variants in COL4A3 are known to be pathogenic (PMID: 8956999, 24854265, 26809805, 27281700). This variant is present in population databases (rs759873621, gnomAD 0.0009%). This premature translational stop signal has been observed in individual(s) with autosomal recessive Alport syndrome (PMID: 15954103, 18436078, 30881523). In at least one individual the data is consistent with being in trans (on the opposite chromosome) from a pathogenic variant. It has also been observed to segregate with disease in related individuals. ClinVar contains an entry for this variant (Variation ID: 552261). Algorithms developed to predict the effect of sequence changes on RNA splicing suggest that this variant may disrupt the consensus splice site. For these reasons, this variant has been classified as Pathogenic.

Fulgent Genetics
Classification: Pathogenic for Autosomal dominant Alport syndrome; Hematuria, benign familial, 2; Alport syndrome 3b, autosomal recessive. Last evaluated: 2024-04-17. Review status: criteria provided, single submitter. Criteria: ACMG Guidelines, 2015. Collection method: clinical testing. Allele origin: germline.

MGZ Medical Genetics Center
Classification: Pathogenic for Autosomal recessive Alport syndrome. Last evaluated: 2022-01-17. Review status: criteria provided, single submitter. Criteria: ACMG Guidelines, 2015. Collection method: clinical testing. Allele origin: germline. Affected: yes. Observed: 1 variant allele.
Comment: ACMG criteria applied: PVS1, PM3, PM2_SUP, PP1, PP3

Sydney Genome Diagnostics, Children's Hospital Westmead
Classification: Pathogenic for Alport syndrome. Last evaluated: 2018-08-28. Review status: no assertion criteria provided. Collection method: clinical testing. Allele origin: unknown. Affected: yes. Observed: 1 variant allele, 1 compound heterozygote. Not counted in ClinVar's aggregate classification.
Comment: This variant creates a premature stop codon (p.Arg1516*), and may result in a null allele due to nonsense-mediated mRNA decay. This variant is considered to be pathogenic, and has been previously reported in patients with autosomal recessive Alport syndrome in the literature (Nagel et al 2005 Hum Mutat 26:60; Cook et al 2008 Am J Kidney Dis 51:e25-e28). This variant is considered to be pathogenic

Counsyl
Classification: Likely pathogenic for Autosomal recessive Alport syndrome. Last evaluated: 2017-05-31. Review status: no assertion criteria provided. Collection method: clinical testing. Allele origin: unknown. Not counted in ClinVar's aggregate classification.

Literature cited by the submitters: PubMed 8956999 (cited by Labcorp Genetics (formerly Invitae), Labcorp); PubMed 24854265 (cited by Labcorp Genetics (formerly Invitae), Labcorp); PubMed 26809805 (cited by Labcorp Genetics (formerly Invitae), Labcorp); PubMed 27281700 (cited by Labcorp Genetics (formerly Invitae), Labcorp); PubMed 15954103 (cited by Labcorp Genetics (formerly Invitae), Labcorp and Counsyl); PubMed 18436078 (cited by Labcorp Genetics (formerly Invitae), Labcorp and Counsyl); PubMed 30881523 (cited by Labcorp Genetics (formerly Invitae), Labcorp).